The following is an entry in ClinVar:

ClinVar aggregate classification (germline): Uncertain significance (1 of 4 stars; one submission).

Allele frequency attached by ClinVar (database versions not stated): gnomAD exomes 0.00001.
gnomAD v4.1: 3 of 1,329,422 alleles (0.00023%); highest among the groups gnomAD compares: Admixed American, 0.0044%; no homozygotes.

Submission:

Labcorp Genetics (formerly Invitae), Labcorp
Classification: Uncertain significance. Last evaluated: 2024-02-23. Review status: criteria provided, single submitter. Criteria: Invitae Variant Classification Sherloc (09022015). Collection method: clinical testing. Allele origin: germline.
Comment: This sequence change replaces aspartic acid, which is acidic and polar, with tyrosine, which is neutral and polar, at codon 154 of the PLEKHM2 protein (p.Asp154Tyr). The frequency data for this variant in the population databases is considered unreliable, as metrics indicate poor data quality at this position in the gnomAD database. This variant has not been reported in the literature in individuals affected with PLEKHM2-related conditions. ClinVar contains an entry for this variant (Variation ID: 1388771). An algorithm developed to predict the effect of missense changes on protein structure and function (PolyPhen-2) suggests that this variant is likely to be disruptive. In summary, the available evidence is currently insufficient to determine the role of this variant in disease. Therefore, it has been classified as a Variant of Uncertain Significance.

NM_015164.4(PLEKHM2):c.460G>T (p.Asp154Tyr)

Gene: PLEKHM2 (pleckstrin homology and RUN domain containing M2; plus strand). Cytogenetic location: 1p36.21.
Variant type: single nucleotide variant.
Coding change: c.460G>T on transcript NM_015164.4 (MANE Select); coding-DNA position 460, G replaced by T.
Protein change: p.Asp154Tyr; replaces aspartic acid 154 with tyrosine.
Molecular consequence: missense variant.
Genome position (GRCh38, 1-based): chr1:15,718,620, G>T. VCF-style: chr1-15718620-G-T. GRCh37 (hg19) VCF-style: chr1-16045115-G-T.
Other names: short protein forms D154Y.
Identifiers: ClinVar variation 1388771 (VCV001388771.8), dbSNP rs939394495, ClinGen allele CA18291738.